The following is an entry in ClinVar:

NM_000535.7(PMS2):c.51_55del (p.Ile18fs)

Gene: PMS2 (PMS1 homolog 2, mismatch repair system component; minus strand). Cytogenetic location: 7p22.1.
Variant type: Deletion.
Coding change: c.51_55del on transcript NM_000535.7 (MANE Select); coding-DNA positions 51 to 55, 5 bases deleted (TATTG; older notation c.51_55delTATTG).
Protein change: p.Ile18fs; shifts the reading frame from isoleucine 18.
Molecular consequence: frameshift variant. On other transcripts: 5 prime UTR variant (8), non-coding transcript variant (1), intron variant (3).
Genome position (GRCh38, 1-based): chr7:6,006,000-6,006,004, CAATA deleted on the plus strand (TATTG on the coding strand, the reverse complement: PMS2 is on the minus strand). VCF-style (leftmost placement, unchanged base first): chr7-6005999-TCAATA-T. GRCh37 (hg19) VCF-style: chr7-6045630-TCAATA-T.
Other names: c.-355_-351delTATTG (NM_001018040.1, NM_001406887.1, NM_001406891.1 and 7 more transcripts); c.-355_-351del (NM_001322003.2, NM_001322005.2, NM_001322009.2 and 1 more transcripts); c.51_55del, p.Ile18fs (NM_001322006.2, NM_001322014.2); c.-165_-161del (NM_001322007.2); c.-834_-830del (NM_001322011.2, NM_001322012.2); c.-434_-430del (NM_001322015.2); c.237_241delTATTG, p.Ile80Serfs (NM_001406866.1); c.51_55delTATTG, p.Ile18Serfs (NM_001406868.1, NM_001406869.1, NM_001406870.1 and 8 more transcripts); and 9 more; short protein forms I18fs.
Identifiers: ClinVar variation 1745351 (VCV001745351.27), dbSNP rs1785714291, ClinGen allele CA1685264115.

ClinVar aggregate classification (germline): Pathogenic. Review status: criteria provided, multiple submitters, no conflicts (2 of 4 stars). 6 submissions from 6 submitters: Pathogenic (5). 1 of the submissions does not count toward it. Last evaluated 2026-05-06.

Conditions:
Hereditary nonpolyposis colorectal neoplasms. Identifiers: MedGen C0009405, MeSH D003123.
Hereditary cancer-predisposing syndrome. Also called: Neoplastic Syndromes, Hereditary; Tumor predisposition; Hereditary Cancer Syndrome; Hereditary neoplastic syndrome. Identifiers: Orphanet 140162, MedGen C0027672, MeSH D009386, MONDO:0015356.
Hereditary nonpolyposis colon cancer (HNPCC). Also called: Hereditary nonpolyposis colorectal cancer; Familial nonpolyposis colon cancer; Hereditary Nonpolyposis Colorectal Cancer Syndrome. Identifiers: Orphanet 443909, MedGen C1333990, MONDO:0018630. Disease mechanism: loss of function.
Gastric cancer. Also called: Stomach cancer; Malignant tumor of stomach. Identifiers: MedGen C0024623, MeSH D013274, MONDO:0001056, OMIM 613659, HP:0012126.
Lynch syndrome 4 (LYNCH4). Also called: Colorectal cancer, hereditary nonpolyposis, type 4; Hereditary non-polyposis colorectal cancer, type 4. Identifiers: Orphanet 144, MedGen C1838333, MONDO:0013699, OMIM 614337. Disease mechanism: loss of function.

Allele frequency attached by ClinVar (database versions not stated): gnomAD exomes below 0.00001.

Submissions (6):

Ambry Genetics
Classification: Pathogenic for Hereditary cancer-predisposing syndrome. Last evaluated: 2026-05-06. Review status: criteria provided, single submitter. Criteria: Ambry Variant Classification Scheme 2023. Collection method: clinical testing. Allele origin: germline.
Comment: The c.51_55delTATTG pathogenic mutation, located in coding exon 2 of the PMS2 gene, results from a deletion of 5 nucleotides at nucleotide positions 51 to 55, causing a translational frameshift with a predicted alternate stop codon (p.I18Sfs*34). This variant is considered to be rare based on population cohorts in the Genome Aggregation Database (gnomAD). This alteration is expected to result in loss of function by premature protein truncation or nonsense-mediated mRNA decay. As such, this alteration is interpreted as a disease-causing mutation.

Women's Health and Genetics/Laboratory Corporation of America, LabCorp
Classification: Pathogenic for Hereditary nonpolyposis colon cancer. Last evaluated: 2024-01-23. Review status: criteria provided, single submitter. Criteria: LabCorp Variant Classification Summary - May 2015. Collection method: clinical testing. Allele origin: germline.
Comment: Variant summary: PMS2 c.51_55delTATTG (p.Ile18SerfsX34) results in a premature termination codon, predicted to cause absence of the protein due to nonsense mediated decay, which is a commonly known mechanism for disease. The variant was absent in 245594 control chromosomes (gnomAD). c.51_55delTATTG has been reported in the literature in an individual(s) affected with Hereditary Nonpolyposis Colorectal Cancer (Nakamura_2023). The following publication has been ascertained in the context of this evaluation (PMID: 36999887). ClinVar contains an entry for this variant (Variation ID: 1745351). Based on the evidence outlined above, the variant was classified as pathogenic.

Myriad Genetics, Inc.
Classification: Pathogenic for Lynch syndrome 4. Last evaluated: 2023-09-18. Review status: criteria provided, single submitter. Criteria: Myriad Autosomal Dominant, Autosomal Recessive and X-Linked Classification Criteria (2023). Collection method: clinical testing. Allele origin: unknown.
Comment: This variant is considered pathogenic. This variant creates a frameshift predicted to result in premature protein truncation.

Labcorp Genetics (formerly Invitae), Labcorp
Classification: Pathogenic for Hereditary nonpolyposis colorectal neoplasms. Last evaluated: 2023-04-24. Review status: criteria provided, single submitter. Criteria: Invitae Variant Classification Sherloc (09022015). Collection method: clinical testing. Allele origin: germline.
Comment: For these reasons, this variant has been classified as Pathogenic. ClinVar contains an entry for this variant (Variation ID: 1745351). This premature translational stop signal has been observed in individual(s) with peritoneal cancer (PMID: 29348823). This variant is not present in population databases (gnomAD no frequency). This sequence change creates a premature translational stop signal (p.Ile18Serfs*34) in the PMS2 gene. It is expected to result in an absent or disrupted protein product. Loss-of-function variants in PMS2 are known to be pathogenic (PMID: 21376568, 24362816).

Baylor Genetics
Classification: Pathogenic for Lynch syndrome 4. Last evaluated: 2022-07-03. Review status: criteria provided, single submitter. Criteria: ACMG Guidelines, 2015. Collection method: clinical testing. Allele origin: unknown.

Laboratory for Genotyping Development, RIKEN
Classification: Pathogenic for Gastric cancer. Last evaluated: 2021-07-01. Review status: no assertion criteria provided. Collection method: research. Allele origin: germline. Not counted in ClinVar's aggregate classification.

Literature cited by the submitters: PubMed 36999887 (cited by Women's Health and Genetics/Laboratory Corporation of America, LabCorp); PubMed 29348823 (cited by Labcorp Genetics (formerly Invitae), Labcorp); PubMed 21376568 (cited by Labcorp Genetics (formerly Invitae), Labcorp); PubMed 24362816 (cited by Labcorp Genetics (formerly Invitae), Labcorp); PubMed 36988593 (cited by Laboratory for Genotyping Development, RIKEN).